The following is an entry in ClinVar:

NM_001375524.1(TRRAP):c.4553T>C (p.Met1518Thr)

Gene: TRRAP (transformation/transcription domain associated protein; plus strand). Cytogenetic location: 7q22.1.
Variant type: single nucleotide variant.
Coding change: c.4553T>C on transcript NM_001375524.1 (MANE Select); coding-DNA position 4553, T replaced by C.
Protein change: p.Met1518Thr; replaces methionine 1518 with threonine.
Molecular consequence: missense variant.
Genome position (GRCh38, 1-based): chr7:98,948,225, T>C. VCF-style: chr7-98948225-T-C. GRCh37 (hg19) VCF-style: chr7-98545848-T-C.
Other names: c.4478T>C (NM_003496.3); c.4532T>C, p.Met1511Thr (NM_001244580.2); c.4478T>C, p.Met1493Thr (NM_003496.4); short protein forms M1518T, M1493T, M1511T.
Identifiers: ClinVar variation 3003238 (VCV003003238.4), dbSNP rs2484845955, ClinGen allele CA368311409.

ClinVar aggregate classification (germline): Uncertain significance. Review status: criteria provided, multiple submitters, no conflicts (2 of 4 stars). 2 submissions from 2 submitters: Uncertain significance (2). Last evaluated 2024-01-30.

Submissions (2):

GeneDx
Classification: Uncertain significance. Last evaluated: 2024-01-30. Review status: criteria provided, single submitter. Criteria: GeneDx Variant Classification Process June 2021. Collection method: clinical testing. Allele origin: germline. Affected: yes.
Comment: Not observed at significant frequency in large population cohorts (gnomAD); In silico analysis supports that this missense variant does not alter protein structure/function; Has not been previously published as pathogenic or benign to our knowledge

Labcorp Genetics (formerly Invitae), Labcorp
Classification: Uncertain significance. Last evaluated: 2023-04-22. Review status: criteria provided, single submitter. Criteria: Invitae Variant Classification Sherloc (09022015). Collection method: clinical testing. Allele origin: germline.
Comment: This sequence change replaces methionine, which is neutral and non-polar, with threonine, which is neutral and polar, at codon 1493 of the TRRAP protein (p.Met1493Thr). This variant is not present in population databases (gnomAD no frequency). This variant has not been reported in the literature in individuals affected with TRRAP-related conditions. Advanced modeling of protein sequence and biophysical properties (such as structural, functional, and spatial information, amino acid conservation, physicochemical variation, residue mobility, and thermodynamic stability) performed at Invitae indicates that this missense variant is not expected to disrupt TRRAP protein function. In summary, the available evidence is currently insufficient to determine the role of this variant in disease. Therefore, it has been classified as a Variant of Uncertain Significance.